The following is an entry in ClinVar:

ClinVar aggregate classification (germline): Uncertain significance (1 of 4 stars; one submission).

Submission:

Ambry Genetics
Classification: Uncertain significance. Last evaluated: 2024-12-08. Review status: criteria provided, single submitter. Criteria: Ambry Variant Classification Scheme 2023. Collection method: clinical testing. Allele origin: germline.
Comment: The p.A445T variant (also known as c.1333G>A), located in coding exon 14 of the SRP72 gene, results from a G to A substitution at nucleotide position 1333. The alanine at codon 445 is replaced by threonine, an amino acid with similar properties. This amino acid position is conserved. In addition, this alteration is predicted to be tolerated by in silico analysis. Based on the available evidence, the clinical significance of this variant remains unclear.

NM_006947.4(SRP72):c.1333G>A (p.Ala445Thr)

Gene: SRP72 (signal recognition particle 72; plus strand). Cytogenetic location: 4q12.
Variant type: single nucleotide variant.
Coding change: c.1333G>A on transcript NM_006947.4 (MANE Select); coding-DNA position 1333, G replaced by A.
Protein change: p.Ala445Thr; replaces alanine 445 with threonine.
Molecular consequence: missense variant. On other transcripts: non-coding transcript variant (1).
Genome position (GRCh38, 1-based): chr4:56,490,345, G>A. VCF-style: chr4-56490345-G-A. GRCh37 (hg19) VCF-style: chr4-57356511-G-A.
Other names: c.1150G>A, p.Ala384Thr (NM_001267722.2); short protein forms A384T, A445T.
Identifiers: ClinVar variation 3449435 (VCV003449435.1).